The following is an entry in ClinVar:

NM_000052.7(ATP7A):c.3256C>T (p.His1086Tyr)

Gene: ATP7A (ATPase copper transporting alpha; plus strand). Cytogenetic location: Xq21.1.
Variant type: single nucleotide variant.
Coding change: c.3256C>T on transcript NM_000052.7 (MANE Select); coding-DNA position 3256, C replaced by T.
Protein change: p.His1086Tyr; replaces histidine 1086 with tyrosine.
Molecular consequence: missense variant. On other transcripts: non-coding transcript variant (1).
Genome position (GRCh38, 1-based): chrX:78,031,544, C>T. VCF-style: chrX-78031544-C-T. GRCh37 (hg19) VCF-style: chrX-77287042-C-T.
Other names: c.3022C>T, p.His1008Tyr (NM_001282224.2); short protein forms H1008Y, H1086Y.
Identifiers: ClinVar variation 2419425 (VCV002419425.7), dbSNP rs2522397337, ClinGen allele CA413603748.
Genomic context (GRCh38, chrX:78,031,544, plus strand): 5'-AACAGAATATCACACCATAAAATCTTGGCCATTGTGGGAACTGCTGAAAGTAACAGTGAA[C>T]ACCCTCTAGGAACAGCCATAACCAAATATTGCAAACAGGTACATTTTTTTCCTCTTGTTT-3'
Protein context (NP_000043.4, residues 1076-1096): IVGTAESNSE[His1086Tyr]PLGTAITKYC

ClinVar aggregate classification (germline): Uncertain significance (1 of 4 stars; one submission).

Conditions:
X-linked distal spinal muscular atrophy type 3. Also called: NEURONOPATHY, DISTAL HEREDITARY MOTOR, X-LINKED; NEUROPATHY, DISTAL HEREDITARY MOTOR, X-LINKED; ATP7A-Related Distal Motor Neuropathy; SPINAL MUSCULAR ATROPHY, DISTAL, X-LINKED RECESSIVE. Identifiers: Orphanet 139557, MedGen C1845359, MONDO:0010338, OMIM 300489.
Menkes kinky-hair syndrome (MNK). Also called: Classic Menkes Disease; Copper transport disease; Menkes Disease. Identifiers: Orphanet 565, MedGen C0022716, MONDO:0010651, OMIM 309400.
Cutis laxa, X-linked (OHS). Also called: EDS IX; Occipital horn syndrome. Identifiers: Orphanet 198, MedGen C0268353, MONDO:0010572, OMIM 304150.

Submission:

Labcorp Genetics (formerly Invitae), Labcorp
Classification: Uncertain significance for X-linked distal spinal muscular atrophy type 3; Cutis laxa, X-linked; Menkes kinky-hair syndrome. Last evaluated: 2022-03-13. Review status: criteria provided, single submitter. Criteria: Invitae Variant Classification Sherloc (09022015). Collection method: clinical testing. Allele origin: germline.
Comment: This sequence change replaces histidine, which is basic and polar, with tyrosine, which is neutral and polar, at codon 1086 of the ATP7A protein (p.His1086Tyr). In summary, the available evidence is currently insufficient to determine the role of this variant in disease. Therefore, it has been classified as a Variant of Uncertain Significance. Advanced modeling of protein sequence and biophysical properties (such as structural, functional, and spatial information, amino acid conservation, physicochemical variation, residue mobility, and thermodynamic stability) performed at Invitae indicates that this missense variant is expected to disrupt ATP7A protein function. This variant has not been reported in the literature in individuals affected with ATP7A-related conditions. This variant is not present in population databases (gnomAD no frequency).